The following continues an entry in ClinVar:

NM_001370658.1(BTD):c.1270G>C (p.Asp424His)

Gene: BTD. ClinVar aggregate classification (germline): Conflicting classifications of pathogenicity. Pathogenic (45); Likely pathogenic (7); Uncertain significance (1).

Submissions 11 to 25 of 61:

GeneDx
Classification: Pathogenic. Last evaluated: 2025-10-01. Review status: criteria provided, single submitter. Criteria: GeneDx Variant Classification Process June 2021. Collection method: clinical testing. Allele origin: germline. Affected: yes.
Comment: In silico analysis supports that this missense variant has a deleterious effect on protein structure/function; Also known as c.1330 G>C, p.(D444H); This variant is associated with the following publications: (PMID: 24797656, 10206677, 29191167, 29359854, 36703223, 37772257, 37443404, 24525934, 11668630, 20981092, 21228398, 22975760, 22995991, 25087612, 25333069, 25795614, 24516753, 20532819, 17629531, 20556795, 9654207, 28498829, 27884173, 27535533, 27845546, 27657684, 29961769, 30912303, 30609409, 30487145, 31337602, 31028937, 31618753, 31980526, 34426522, 32746448, 33083013, 32235217, 35314707, 36007526, 31847883, 34738359, 35805799, 15060693, 20539236, 38374194, 39582447, 39033936, 38592052, 37131081, 37751899, 34374989, 38299772, 39007708, 38532509, 39519275, 38909121, 39451125)

Foundation for Research in Genetics and Endocrinology, FRIGE's Institute of Human Genetics
Classification: Likely pathogenic for Biotinidase deficiency. Last evaluated: 2025-09-16. Review status: criteria provided, single submitter. Criteria: ACMG Guidelines, 2015. Collection method: clinical testing. Allele origin: germline. Inheritance: Autosomal recessive inheritance. Affected: yes. Observed: 1 variant allele, 1 compound heterozygote.
Comment: A heterozygous variant c.1270G>C in exon 4 of the BTD gene was detected. This variant results in the substitution of aspartic acid by histidine at codon 424 of the biotinidase protein. In summary, the variant meets our criteria to be classified as likely pathogenic.

Revvity Omics, Revvity
Classification: Pathogenic for Biotinidase deficiency. Last evaluated: 2025-05-29. Review status: criteria provided, single submitter. Criteria: ACMG Guidelines, 2015. Collection method: clinical testing. Allele origin: germline.

ARUP Laboratories, Molecular Genetics and Genomics, ARUP Laboratories
Classification: Pathogenic for Biotinidase deficiency. Last evaluated: 2025-05-27. Review status: criteria provided, single submitter. Criteria: ARUP Molecular Germline Variant Investigation Process 2024. Collection method: clinical testing. Allele origin: germline.
Comment: The BTD c.1270G>C; p.Asp424His variant (rs13078881), also known as c.1330G>C; p.Asp444His for NM_000060.2, is reported in multiple patients with partial biotinidase deficiency (Dobrowolski 2003, Funghini 2002, Milankovics 2010, Muhl 2001, Pomponio 2000, Swango 1998, Wolf 2005), with a higher prevalence in affected individuals (Milankovics 2010). This variant is reported in ClinVar (Variation ID: 1900), and found in the general population with an overall allele frequency of 3.2% (9005/282830 alleles, including 199 homozygotes) in the Genome Aggregation Database. The aspartate at codon 424 is highly conserved, and computational analyses predict that the variant is deleterious (REVEL: 0.769). Based on available information, this variant is considered to be mildly pathogenic. References: Dobrowolski S et al. Real time PCR assays to detect common mutations in the biotinidase gene and application of mutational analysis to newborn screening for biotinidase deficiency. Mol Genet Metab. 2003 Feb;78(2):100-7. PMID: 12618081 Funghini S et al. Two new mutations in children affected by partial biotinidase deficiency ascertained by newborn screening. J Inherit Metab Dis. 2002 Aug;25(4):328-30. PMID: 12227467. Milankovics I et al. High frequencies of biotinidase (BTD) gene mutations in the Hungarian population. J Inherit Metab Dis. 2010 Dec;33 Suppl 3:S289-92. PMID: 20549359. Muhl A et al. Molecular characterisation of 34 patients with biotinidase deficiency ascertained by newborn screening and family investigation. Eur J Hum Genet. 2001 Apr;9(4):237-43. PMID: 11313766. Pomponio R et al. Novel mutations cause biotinidase deficiency in Turkish children. J Inherit Metab Dis. 2000 Mar;23(2):120-8. PMID: 10801053. Swango K et al. Partial biotinidase deficiency is usually due to the D444H mutation in the biotinidase gene. Hum Genet. 1998 May;102(5):571-5. PMID: 9654207. Wolf B et al. Biotinidase deficiency: novel mutations and their biochemical and clinical correlates. Hum Mutat. 2005 Apr;25(4):413. PMID: 9375914.

Centre for Clinical Genetics and Genomic Diagnostics, Zealand University Hospital
Classification: Pathogenic. Last evaluated: 2025-03-11. Review status: criteria provided, single submitter. Criteria: ACMG Guidelines, 2015. Collection method: clinical testing. Allele origin: germline.

Laboratory of Genetics, Children's Clinical University Hospital Latvia
Classification: Pathogenic. Last evaluated: 2025-02-16. Review status: criteria provided, single submitter. Criteria: ACMG Guidelines, 2015. Collection method: clinical testing. Allele origin: germline. Affected: yes.

First Genomix Gene Laboratory, Genetic Diagnostics Department
Classification: Pathogenic for Biotinidase deficiency. Last evaluated: 2025-01-08. Review status: criteria provided, single submitter. Criteria: ACMG Guidelines, 2015. Collection method: clinical testing. Allele origin: germline. Inheritance: Autosomal recessive inheritance. Affected: no. Observed: 1 variant allele.

Blueprint Genetics
Classification: Pathogenic for BTD-related disorders. Last evaluated: 2024-11-26. Review status: criteria provided, single submitter. Criteria: ACMG Guidelines, 2015. Collection method: clinical testing. Allele origin: germline. Affected: yes. Observed: 5 variant alleles.

Greenwood Genetic Center Diagnostic Laboratories, Greenwood Genetic Center
Classification: Pathogenic for Biotinidase deficiency. Last evaluated: 2024-11-12. Review status: criteria provided, single submitter. Criteria: ACMG Guidelines, 2015. Collection method: clinical testing. Allele origin: germline. Affected: yes.
Comment: PS3, PM1, PM3_very Strong

Victorian Clinical Genetics Services, Murdoch Childrens Research Institute
Classification: Pathogenic for Biotinidase deficiency. Last evaluated: 2024-10-10. Review status: criteria provided, single submitter. Criteria: ACMG Guidelines, 2015. Collection method: clinical testing. Allele origin: germline. Inheritance: Autosomal recessive inheritance. Affected: no.
Comment: Based on the classification scheme VCGS_Germline_v1.3.4, this variant is classified as Pathogenic. Following criteria are met: 0102 - Loss of function is a known mechanism of disease in this gene and is associated with biotinidase deficiency (MIM#253260). (I) 0106 - This gene is associated with autosomal recessive disease. (I) 0115 - Variants in this gene are known to have variable expressivity. The condition associated with this gene is known to range from partial, with milder symptoms and later onset, to profound, with more severe symptoms and earlier onset. Also, individuals with the same genotype have been observed to have different clinical and biochemical phenotypes (PMIDs: 20301497, 28498829). (I) 0200 - Variant is predicted to result in a missense amino acid change from aspartic acid to histidine. (I) 0251 - This variant is heterozygous. (I) 0307 - Variant is present in gnomAD (v2) at a frequency >=0.05 (8607 heterozygotes, 199 homozygotes). (SB) 0309 - An alternative amino acid change at the same position has been observed in gnomAD (v2) (1 heterozygote, 0 homozygotes). (I) 0502 - Missense variant with damaging in silico predictions and low conservation. (I) 0600 - Variant is located in the annotated vanin C-terminal domain (NCBI). (I) 0801 - This variant has strong previous evidence of pathogenicity in unrelated individuals. This variant has been observed in multiple individuals with biotinidase deficiency and is described as a mild variant. This variant is not expected to cause disease when homozygous, but is known to cause mild or partial biotinidase dificiency when in trans with a severe pathogenic variant, and can cause profound deficiency when also in cis with a modifying variant (typically p.(Ala151Thr)) (ClinVar, PMIDs: 31337602, 28498829, 28682309). (SP) 1002 - This variant has moderate functional evidence supporting abnormal protein function. Western blot and enzyme activity assays for this variant have been variable between individuals but it is generally accepted that this variant reduces enzyme activity by around 50% (PMID: 31337602). (I) Legend: (SP) - Supporting pathogenic, (I) - Information, (SB) - Supporting benign

Dubai Health Genomic Medicine Center, Dubai Health
Classification: Pathogenic for Biotinidase deficiency. Last evaluated: 2024-10-04. Review status: criteria provided, single submitter. Criteria: ACMG Guidelines, 2015. Collection method: research. Allele origin: germline. Affected: yes.
Comment: PM3_VeryStrong, PS3

Molecular Genetics Laboratory, BC Children's and BC Women's Hospitals
Classification: Pathogenic for Biotinidase deficiency. Last evaluated: 2024-08-27. Review status: criteria provided, single submitter. Criteria: ACMG Guidelines, 2015. Collection method: clinical testing. Allele origin: paternal. Affected: yes.

Baylor Genetics
Classification: Pathogenic for Biotinidase deficiency. Last evaluated: 2024-03-30. Review status: criteria provided, single submitter. Criteria: ACMG Guidelines, 2015. Collection method: clinical testing. Allele origin: unknown. Study: CSER-TexasKidsCanSeq.

Genomic Medicine Center of Excellence, King Faisal Specialist Hospital and Research Centre
Classification: Likely pathogenic for Biotinidase deficiency. Last evaluated: 2024-03-14. Review status: criteria provided, single submitter. Criteria: ACMG Guidelines, 2015. Collection method: clinical testing. Allele origin: germline.

Quest Diagnostics Nichols Institute San Juan Capistrano
Classification: Pathogenic. Last evaluated: 2024-01-30. Review status: criteria provided, single submitter. Criteria: Quest Diagnostics criteria. Collection method: clinical testing. Allele origin: unknown.
Comment: The BTD c.1330G>C (p.Asp444His) variant, also known as D444H , is associated with partial biotinidase deficiency (10-30% of normal BTD activity) when an additional pathogenic BTD variant is present on the opposite chromosome (i.e., variants are present in trans) (PMID: 9654207 (1998), 10206677 (1998), 12227467 (2002), 23644139 (2013), 28498829 (2017), 33312878 (2020)). Individuals who are homozygous for this variant are usually asymptomatic and have approximately 50% of normal BTD enzyme activity (PMID: 20539236 (2010), 20556795 (2010), 28682309 (2017)). Assessment of experimental evidence suggests this variant results in reduced BTD enzyme activity (PMID: 10206677 (1998), 12227467 (2002)). Based on the available information, this variant is classified as pathogenic.